The following is an entry in ClinVar:

NM_001291415.2(KDM6A):c.3887T>C (p.Leu1296Pro)

Gene: KDM6A (lysine demethylase 6A; plus strand). Cytogenetic location: Xp11.3.
Variant type: single nucleotide variant.
Coding change: c.3887T>C on transcript NM_001291415.2 (MANE Select); coding-DNA position 3887, T replaced by C.
Protein change: p.Leu1296Pro; replaces leucine 1296 with proline.
Molecular consequence: missense variant. On other transcripts: non-coding transcript variant (1).
Genome position (GRCh38, 1-based): chrX:45,089,925, T>C. VCF-style: chrX-45089925-T-C. GRCh37 (hg19) VCF-style: chrX-44949170-T-C.
Other names: c.3752T>C, p.Leu1251Pro (NM_001291416.2); c.3596T>C, p.Leu1199Pro (NM_001291417.2); c.3494T>C, p.Leu1165Pro (NM_001291418.2); c.2843T>C, p.Leu948Pro (NM_001291421.2); c.3629T>C, p.Leu1210Pro (NM_001410742.1); c.3731T>C, p.Leu1244Pro (NM_021140.4); c.3731T>C (NM_021140.2); short protein forms L1165P, L1251P, L1199P, L1210P, L1244P, L1296P, L948P.
Identifiers: ClinVar variation 2101802 (VCV002101802.5), dbSNP rs2148196134, ClinGen allele CA412807726.

ClinVar aggregate classification (germline): Uncertain significance. Review status: criteria provided, multiple submitters, no conflicts (2 of 4 stars). 2 submissions from 2 submitters: Uncertain significance (2). Last evaluated 2023-06-30.

Conditions:
Kabuki syndrome 2 (KABUK2). Also called: KDM6A-Related Kabuki Syndrome. Identifiers: Orphanet 2322, MedGen C3275495, MONDO:0010465, OMIM 300867.

Submissions (2):

GeneDx
Classification: Uncertain significance. Last evaluated: 2023-06-30. Review status: criteria provided, single submitter. Criteria: GeneDx Variant Classification Process June 2021. Collection method: clinical testing. Allele origin: germline. Affected: yes.
Comment: Not observed at significant frequency in large population cohorts (gnomAD); In silico analysis supports that this missense variant has a deleterious effect on protein structure/function; Has not been previously published as pathogenic or benign to our knowledge

Labcorp Genetics (formerly Invitae), Labcorp
Classification: Uncertain significance for Kabuki syndrome 2. Last evaluated: 2022-05-17. Review status: criteria provided, single submitter. Criteria: Invitae Variant Classification Sherloc (09022015). Collection method: clinical testing. Allele origin: germline.
Comment: This sequence change replaces leucine, which is neutral and non-polar, with proline, which is neutral and non-polar, at codon 1244 of the KDM6A protein (p.Leu1244Pro). This variant is not present in population databases (gnomAD no frequency). This variant has not been reported in the literature in individuals affected with KDM6A-related conditions. Algorithms developed to predict the effect of missense changes on protein structure and function are either unavailable or do not agree on the potential impact of this missense change (SIFT: "Deleterious"; PolyPhen-2: "Benign"; Align-GVGD: "Class C65"). In summary, the available evidence is currently insufficient to determine the role of this variant in disease. Therefore, it has been classified as a Variant of Uncertain Significance.